The following is an entry in ClinVar:

ClinVar aggregate classification (germline): Conflicting classifications of pathogenicity. Review status: criteria provided, conflicting classifications (1 of 4 stars). 2 submissions from 2 submitters: Uncertain significance (1); Likely benign (1). Last evaluated 2025-11-12.

Conditions:
Short-rib thoracic dysplasia 13 with or without polydactyly (SRTD13). Identifiers: Orphanet 474, MedGen C4225378, MONDO:0014577, OMIM 616300.

Allele frequency attached by ClinVar (database versions not stated): TOPMed 0.00001; gnomAD exomes 0.00005 and 0.00014; gnomAD 0.00010; ExAC 0.00018.
gnomAD v4.1: 89 of 1,613,428 alleles (0.0055%); highest among the groups gnomAD compares: Non-Finnish European, 0.002%; no homozygotes.

Submissions (2):

Labcorp Genetics (formerly Invitae), Labcorp
Classification: Uncertain significance for Short-rib thoracic dysplasia 13 with or without polydactyly. Last evaluated: 2025-11-12. Review status: criteria provided, single submitter. Criteria: Invitae Variant Classification Sherloc (09022015). Collection method: clinical testing. Allele origin: germline.
Comment: This sequence change replaces glycine, which is neutral and non-polar, with glutamic acid, which is acidic and polar, at codon 276 of the CEP120 protein (p.Gly276Glu). This variant is present in population databases (rs201955087, gnomAD 0.1%), including at least one homozygous and/or hemizygous individual. This variant has not been reported in the literature in individuals affected with CEP120-related conditions. ClinVar contains an entry for this variant (Variation ID: 944968). Invitae Evidence Modeling of protein sequence and biophysical properties (such as structural, functional, and spatial information, amino acid conservation, physicochemical variation, residue mobility, and thermodynamic stability) has been performed for this missense variant. However, the output from this modeling did not meet the statistical confidence thresholds required to predict the impact of this variant on CEP120 protein function. In summary, the available evidence is currently insufficient to determine the role of this variant in disease. Therefore, it has been classified as a Variant of Uncertain Significance.

Blueprint Genetics
Classification: Likely benign. Last evaluated: 2023-05-22. Review status: criteria provided, single submitter. Criteria: ACMG Guidelines, 2015. Collection method: clinical testing. Allele origin: germline.

NM_001375405.1(CEP120):c.827G>A (p.Gly276Glu)

Gene: CEP120 (centrosomal protein 120; minus strand). Cytogenetic location: 5q23.2.
Variant type: single nucleotide variant.
Coding change: c.827G>A on transcript NM_001375405.1 (MANE Select); coding-DNA position 827, G replaced by A.
Protein change: p.Gly276Glu; replaces glycine 276 with glutamic acid.
Molecular consequence: missense variant. On other transcripts: non-coding transcript variant (1).
Genome position (GRCh38, 1-based): chr5:123,391,321, C>T on the plus strand (G>A on the coding strand, the complement: CEP120 is on the minus strand). VCF-style: chr5-123391321-C-T. GRCh37 (hg19) VCF-style: chr5-122727015-C-T.
Other names: c.749G>A, p.Gly250Glu (NM_001166226.2); c.827G>A, p.Gly276Glu (NM_001375406.1, NM_001375407.1, NM_153223.4); c.254G>A, p.Gly85Glu (NM_001375408.1, NM_001375409.1); short protein forms G250E, G276E, G85E.
Identifiers: ClinVar variation 944968 (VCV000944968.7), dbSNP rs201955087, ClinGen allele CA3387118.